The following is an entry in ClinVar:

NM_006172.4(NPPA):c.25G>A (p.Val9Met)

Genes: NPPA (natriuretic peptide A; minus strand), LOC114827827 (VISTA enhancer hs2123; plus strand). Cytogenetic location: 1p36.22.
Variant type: single nucleotide variant.
Coding change: c.25G>A on transcript NM_006172.4 (MANE Select); coding-DNA position 25, G replaced by A.
Protein change: p.Val9Met; replaces valine 9 with methionine.
Molecular consequence: missense variant.
Genome position (GRCh38, 1-based): chr1:11,847,660, C>T on the plus strand (G>A on the coding strand, the complement: NPPA is on the minus strand). VCF-style: chr1-11847660-C-T. GRCh37 (hg19) VCF-style: chr1-11907717-C-T.
Other names: short protein forms V9M.
Identifiers: ClinVar variation 944170 (VCV000944170.12), dbSNP rs143419574, ClinGen allele CA597129.
Genomic context (GRCh38, chr1:11,847,660, plus strand): 5'-ACATGGGATTAGCTCTGGTCTGACCTAGGAGCTGGAATGCCAGTAAAAGGAGGAAGCTCA[C>T]GGTGGTGGTGGAGAAGGAGCTCATGCTGGCGTCGTCAAGGAGCAATCCACTGCTTGCTGC-3'
Protein context (NP_006163.1, residues 1-19): MSSFSTTT[Val9Met]SFLLLLAFQL

ClinVar aggregate classification (germline): Conflicting classifications of pathogenicity. Review status: criteria provided, conflicting classifications (1 of 4 stars). 3 submissions from 3 submitters: Uncertain significance (2); Likely benign (1). Last evaluated 2025-12-09.

Conditions:
Atrial standstill 2 (ATRST2). Also called: ATRIAL DILATION AND STANDSTILL; CARDIOMYOPATHY, ATRIAL DILATED, WITH ATRIAL STANDSTILL. Identifiers: Orphanet 1344, MedGen C3810401, MONDO:0014329, OMIM 615745.
Atrial fibrillation, familial, 6 (ATFB6). Identifiers: MedGen C2677294, MONDO:0012816, OMIM 612201.

Allele frequency attached by ClinVar (database versions not stated): ESP Exome Variant Server 0.00023; 1000 Genomes Project 30x 0.00016; TOPMed 0.00016; 1000 Genomes Project 0.00020.

Submissions (3):

Labcorp Genetics (formerly Invitae), Labcorp
Classification: Uncertain significance for Atrial fibrillation, familial, 6. Last evaluated: 2025-12-09. Review status: criteria provided, single submitter. Criteria: Invitae Variant Classification Sherloc (09022015). Collection method: clinical testing. Allele origin: germline.
Comment: This sequence change replaces valine, which is neutral and non-polar, with methionine, which is neutral and non-polar, at codon 9 of the NPPA protein (p.Val9Met). This variant is present in population databases (rs143419574, gnomAD 0.05%). This variant has not been reported in the literature in individuals affected with NPPA-related conditions. ClinVar contains an entry for this variant (Variation ID: 944170). An algorithm developed to predict the effect of missense changes on protein structure and function outputs the following: PolyPhen-2: "Not Available". The methionine amino acid residue is found in multiple mammalian species, which suggests that this missense change does not adversely affect protein function. In summary, the available evidence is currently insufficient to determine the role of this variant in disease. Therefore, it has been classified as a Variant of Uncertain Significance.

Women's Health and Genetics/Laboratory Corporation of America, LabCorp
Classification: Likely benign. Last evaluated: 2024-04-09. Review status: criteria provided, single submitter. Criteria: LabCorp Variant Classification Summary - May 2015. Collection method: clinical testing. Allele origin: germline.

Fulgent Genetics
Classification: Uncertain significance for Atrial fibrillation, familial, 6; Atrial standstill 2. Last evaluated: 2021-07-05. Review status: criteria provided, single submitter. Criteria: ACMG Guidelines, 2015. Collection method: clinical testing. Allele origin: unknown.